The following is an entry in ClinVar:

NM_012472.6(DNAAF11):c.1148A>T (p.Glu383Val)

Gene: DNAAF11 (dynein axonemal assembly factor 11; minus strand). Cytogenetic location: 8q24.22.
Variant type: single nucleotide variant.
Coding change: c.1148A>T on transcript NM_012472.6 (MANE Select); coding-DNA position 1148, A replaced by T.
Protein change: p.Glu383Val; replaces glutamic acid 383 with valine.
Molecular consequence: missense variant. On other transcripts: non-coding transcript variant (10).
Genome position (GRCh38, 1-based): chr8:132,583,772, T>A on the plus strand (A>T on the coding strand, the complement: DNAAF11 is on the minus strand). VCF-style: chr8-132583772-T-A. GRCh37 (hg19) VCF-style: chr8-133596019-T-A.
Other names: c.1088A>T, p.Glu363Val (NM_001321961.2); c.902A>T, p.Glu301Val (NM_001321962.2); c.788A>T, p.Glu263Val (NM_001321963.2, NM_001321964.2, NM_001321965.2); c.728A>T, p.Glu243Val (NM_001321966.2); c.1148A>T (NM_012472.5); short protein forms E243V, E263V, E363V, E383V, E301V.
Identifiers: ClinVar variation 2619125 (VCV002619125.4), dbSNP rs919823457, ClinGen allele CA186269788.

ClinVar aggregate classification (germline): Uncertain significance. Review status: criteria provided, multiple submitters, no conflicts (2 of 4 stars). 2 submissions from 2 submitters: Uncertain significance (2). Last evaluated 2024-04-29.

Conditions:
Primary ciliary dyskinesia. Also called: Ciliary dyskinesia. Identifiers: Orphanet 244, MedGen C0008780, MONDO:0016575, HP:0012265.
DNAAF11-related disorder. Also called: DNAAF11-related condition.

gnomAD v4.1: 6 of 1,612,088 alleles (0.00037%); no homozygotes.

Submissions (2):

Ambry Genetics
Classification: Uncertain significance for Primary ciliary dyskinesia. Last evaluated: 2024-04-29. Review status: criteria provided, single submitter. Criteria: Ambry Variant Classification Scheme 2023. Collection method: clinical testing. Allele origin: germline.

PreventionGenetics, part of Exact Sciences
Classification: Uncertain significance for DNAAF11-related condition. Last evaluated: 2023-02-22. Review status: criteria provided, single submitter. Criteria: ACMG Guidelines, 2015. Collection method: clinical testing. Allele origin: germline.
Comment: The DNAAF11 c.1148A>T variant is predicted to result in the amino acid substitution p.Glu383Val. To our knowledge, this variant has not been reported in the literature or in a large population database, indicating this variant is rare. At this time, the clinical significance of this variant is uncertain due to the absence of conclusive functional and genetic evidence.